The following is an entry in ClinVar:

NM_000088.4(COL1A1):c.805G>A (p.Gly269Ser)

Genes: COL1A1 (collagen type I alpha 1 chain; minus strand), LOC126862586 (CDK7 strongly-dependent group 2 enhancer GRCh37_chr17:48273702-48274901; plus strand). Cytogenetic location: 17q21.33.
Variant type: single nucleotide variant.
Coding change: c.805G>A on transcript NM_000088.4 (MANE Select); coding-DNA position 805, G replaced by A.
Protein change: p.Gly269Ser; replaces glycine 269 with serine.
Molecular consequence: missense variant.
Genome position (GRCh38, 1-based): chr17:50,196,670, C>T on the plus strand (G>A on the coding strand, the complement: COL1A1 is on the minus strand). VCF-style: chr17-50196670-C-T. GRCh37 (hg19) VCF-style: chr17-48274031-C-T.
Other names: short protein forms G269S.
Identifiers: ClinVar variation 35929 (VCV000035929.11), dbSNP rs72645328, ClinGen allele CA260326.

ClinVar aggregate classification (germline): Pathogenic/Likely pathogenic. Review status: criteria provided, multiple submitters, no conflicts (2 of 4 stars). 3 submissions from 3 submitters: Pathogenic (1); Likely pathogenic (2). Last evaluated 2021-05-06.

Conditions:
COL1A1-related disorder. Also called: COL1A1-related condition; COL1A1- related disease.
Osteogenesis imperfecta type I (OI1). Also called: Lobstein disease; Lobstein's Disease; OI, TYPE I; OSTEOGENESIS IMPERFECTA TARDA; OSTEOGENESIS IMPERFECTA WITH BLUE SCLERAE; Osteogenesis imperfecta type 1. Identifiers: Orphanet 216796, Orphanet 666, MedGen C0023931, MONDO:0008146, OMIM 166200. Disease mechanism: loss of function.
Osteogenesis imperfecta (OI). Identifiers: Orphanet 666, MedGen C0029434, MeSH D010013, MONDO:0019019.

Submissions (3):

Labcorp Genetics (formerly Invitae), Labcorp
Classification: Pathogenic for Osteogenesis imperfecta type I. Last evaluated: 2021-05-06. Review status: criteria provided, single submitter. Criteria: Invitae Variant Classification Sherloc (09022015). Collection method: clinical testing. Allele origin: germline.
Comment: This variant disrupts the p.Gly269 amino acid residue in COL1A1. Other variant(s) that disrupt this residue have been observed in individuals with COL1A1-related conditions (Invitae), which suggests that this may be a clinically significant amino acid residue. For these reasons, this variant has been classified as Pathogenic. This variant disrupts the triple helix domain of COL1A1. Glycine residues within the Gly-Xaa-Yaa repeats of the triple helix domain are required for the structure and stability of fibrillar collagens (PMID: 7695699, 8218237, 19344236). In COL1A1, variants affecting these glycine residues are significantly enriched in individuals with disease (PMID: 9016532, 17078022) compared to the general population (ExAC). Algorithms developed to predict the effect of missense changes on protein structure and function are either unavailable or do not agree on the potential impact of this missense change (SIFT: "Deleterious"; PolyPhen-2: "Not Available"; Align-GVGD: "Class C55"). This variant has been observed in individual(s) with osteogenesis imperfecta (PMID: 17078022, Invitae). ClinVar contains an entry for this variant (Variation ID: 35929). This variant is not present in population databases (ExAC no frequency). This sequence change replaces glycine with serine at codon 269 of the COL1A1 protein (p.Gly269Ser). The glycine residue is highly conserved and there is a small physicochemical difference between glycine and serine.

Blueprint Genetics
Classification: Likely pathogenic for COL1A1-related disorders. Last evaluated: 2019-01-19. Review status: criteria provided, single submitter. Criteria: ACMG Guidelines, 2015. Collection method: clinical testing. Allele origin: germline. Affected: yes. Observed: 1 variant allele.

Women's Health and Genetics/Laboratory Corporation of America, LabCorp
Classification: Likely pathogenic for Osteogenesis Imperfecta. Last evaluated: 2011-08-18. Review status: criteria provided, single submitter. Criteria: LabCorp Variant Classification Summary - May 2015. Collection method: curation, clinical testing. Allele origin: germline. Inheritance: autosomal dominant. Affected: yes. Observed: 1 variant allele.
ClinVar note: Converted during submission from likely pathogenic to Likely pathogenic.

Literature cited by the submitters: PubMed 7695699 (cited by Labcorp Genetics (formerly Invitae), Labcorp); PubMed 8218237 (cited by Labcorp Genetics (formerly Invitae), Labcorp); PubMed 19344236 (cited by Labcorp Genetics (formerly Invitae), Labcorp); PubMed 9016532 (cited by Labcorp Genetics (formerly Invitae), Labcorp); PubMed 17078022 (cited by Labcorp Genetics (formerly Invitae), Labcorp and Women's Health and Genetics/Laboratory Corporation of America, LabCorp).